The following is an entry in ClinVar:

ClinVar aggregate classification (germline): Pathogenic. Review status: reviewed by expert panel (3 of 4 stars). 14 submissions from 14 submitters: Pathogenic (1). 13 of the submissions do not count toward it. Last evaluated 2016-10-18.

Conditions:
Hereditary cancer-predisposing syndrome. Also called: Hereditary Cancer Syndrome; Neoplastic Syndromes, Hereditary; Tumor predisposition; Hereditary neoplastic syndrome. Identifiers: Orphanet 140162, MedGen C0027672, MeSH D009386, MONDO:0015356.
Breast-ovarian cancer, familial, susceptibility to, 2 (BROVCA2). Also called: BRCA2 Hereditary Breast and Ovarian Cancer. Identifiers: Orphanet 145, MedGen C2675520, MONDO:0012933, OMIM 612555. Disease mechanism: loss of function.
Hereditary breast ovarian cancer syndrome. Also called: Hereditary breast and/or ovarian cancer syndrome; BRCA1- and BRCA2-Associated Hereditary Breast and Ovarian Cancer; Hereditary breast and ovarian cancer syndrome (HBOC); Hereditary breast and ovarian cancer; Hereditary breast and ovarian cancer syndrome; Breast and ovarian cancer. Identifiers: Orphanet 145, MedGen C0677776, MeSH D061325, MONDO:0003582. Disease mechanism: loss of function.
Familial cancer of breast. Also called: Hereditary breast cancer; hereditary breast carcinoma; BREAST CANCER, FAMILIAL. Identifiers: Orphanet 227535, MedGen C0346153, MONDO:0016419, OMIM 114480. Disease mechanism: loss of function.

Submissions (14):

Evidence-based Network for the Interpretation of Germline Mutant Alleles (ENIGMA)
Classification: Pathogenic for Breast-ovarian cancer, familial, susceptibility to, 2. Last evaluated: 2016-10-18. Review status: reviewed by expert panel. Criteria: ENIGMA BRCA1/2 Classification Criteria (2015). Collection method: curation. Allele origin: germline.
Comment: Variant allele predicted to encode a truncated non-functional protein.

Women's Health and Genetics/Laboratory Corporation of America, LabCorp
Classification: Pathogenic for Hereditary breast ovarian cancer syndrome. Last evaluated: 2025-12-15. Review status: criteria provided, single submitter. Criteria: LabCorp Variant Classification Summary - May 2015. Collection method: clinical testing. Allele origin: germline. Not counted in ClinVar's aggregate classification.
Comment: Variant summary: BRCA2 c.3187C>T (p.Gln1063X) results in a premature termination codon, predicted to cause a truncation of the encoded protein or absence of the protein due to nonsense mediated decay, which are commonly known mechanisms for disease. The variant was absent in 247392 control chromosomes. c.3187C>T has been observed in individuals affected with Hereditary Breast And Ovarian Cancer Syndrome (e.g. Kwong_2015, Mannan_2016). These data indicate that the variant is likely to be associated with disease. The following publications have been ascertained in the context of this evaluation (PMID: 26187060, 26911350). ClinVar contains an entry for this variant (Variation ID: 228324). Based on the evidence outlined above, the variant was classified as pathogenic.

Ambry Genetics
Classification: Pathogenic for Hereditary cancer-predisposing syndrome. Last evaluated: 2025-11-25. Review status: criteria provided, single submitter. Criteria: Ambry Variant Classification Scheme 2023. Collection method: clinical testing. Allele origin: germline. Not counted in ClinVar's aggregate classification.
Comment: The p.Q1063* pathogenic mutation (also known as c.3187C>T), located in coding exon 10 of the BRCA2 gene, results from a C to T substitution at nucleotide position 3187. This changes the amino acid from a glutamine to a stop codon within coding exon 10. This variant is considered to be rare based on population cohorts in the Genome Aggregation Database (gnomAD). This alteration is expected to result in loss of function by premature protein truncation or nonsense-mediated mRNA decay. As such, this alteration is interpreted as a disease-causing mutation.

Labcorp Genetics (formerly Invitae), Labcorp
Classification: Pathogenic for Hereditary breast ovarian cancer syndrome. Last evaluated: 2025-06-24. Review status: criteria provided, single submitter. Criteria: Invitae Variant Classification Sherloc (09022015). Collection method: clinical testing. Allele origin: germline. Not counted in ClinVar's aggregate classification.
Comment: This sequence change creates a premature translational stop signal (p.Gln1063*) in the BRCA2 gene. It is expected to result in an absent or disrupted protein product. Loss-of-function variants in BRCA2 are known to be pathogenic (PMID: 20104584). This variant is not present in population databases (gnomAD no frequency). This premature translational stop signal has been observed in individual(s) with clinical features of hereditary breast and ovarian cancer (HBOC) syndrome (PMID: 26187060, 26911350, 29446198). ClinVar contains an entry for this variant (Variation ID: 228324). For these reasons, this variant has been classified as Pathogenic.

GeneDx
Classification: Pathogenic. Last evaluated: 2025-02-04. Review status: criteria provided, single submitter. Criteria: GeneDx Variant Classification Process June 2021. Collection method: clinical testing. Allele origin: germline. Affected: yes. Not counted in ClinVar's aggregate classification.
Comment: Nonsense variant predicted to result in protein truncation or nonsense mediated decay in a gene for which loss of function is a known mechanism of disease; Observed in individuals with a personal or family history consistent with pathogenic variants in this gene (PMID: 25863477, 26911350, 33471991); Truncating variants in this gene are considered pathogenic by a well-established clinical consortium and/or database; Not observed at significant frequency in large population cohorts (gnomAD); Also known as 3415C>T; This variant is associated with the following publications: (PMID: 26911350, 25863477, 26187060, 28008009, 29446198, 31447099, 33471991, 33461583, 37861363, 35053526)

Color Diagnostics, LLC DBA Color Health
Classification: Pathogenic for Hereditary cancer-predisposing syndrome. Last evaluated: 2024-03-11. Review status: criteria provided, single submitter. Criteria: ACMG Guidelines, 2015. Collection method: clinical testing. Allele origin: germline. Not counted in ClinVar's aggregate classification.
Comment: This variant changes 1 nucleotide in exon 11 of the BRCA2 gene, creating a premature translation stop signal. This variant is expected to result in an absent or non-functional protein product. This variant has been reported in individuals with a personal and/or family history of breast, ovarian, and pancreatic cancer (PMID: 25863477, 26187060, 26911350, 29446198, 33471991, 38147532). This variant has not been identified in the general population by the Genome Aggregation Database (gnomAD). Loss of BRCA2 function is a known mechanism of disease. Based on the available evidence, this variant is classified as Pathogenic.

Quest Diagnostics Nichols Institute San Juan Capistrano
Classification: Pathogenic. Last evaluated: 2023-09-12. Review status: criteria provided, single submitter. Criteria: Quest Diagnostics criteria. Collection method: clinical testing. Allele origin: unknown. Not counted in ClinVar's aggregate classification.
Comment: The BRCA2 c.3187C>T (p.Gln1063*) variant causes the premature termination of BRCA2 protein synthesis. This variant has been reported in the published literature in individuals and families affected with breast and/or ovarian cancer (PMIDs: 25863477 (2015), 26187060 (2015), 26911350 (2016)). This variant has not been reported in large, multi-ethnic general populations (Genome Aggregation Database). Based on the available information, this variant is classified as pathogenic.

Neuberg Centre For Genomic Medicine, NCGM
Classification: Pathogenic for Breast-ovarian cancer, familial, susceptibility to, 2. Last evaluated: 2023-07-22. Review status: criteria provided, single submitter. Criteria: ACMG Guidelines, 2015. Collection method: clinical testing. Allele origin: germline. Inheritance: Autosomal dominant inheritance. Affected: yes. Not counted in ClinVar's aggregate classification.
Comment: The observed stop gained c.3187C>T p.Gln1063Ter variant in BRCA2 gene has been reported previously in multiple individuals affected with hereditary breast and ovarian cancer HBOC syndrome Kwong et al., 2016; Mannan et al., 2016 Rebbeck et al., 2018. This variant is absent in gnomAD Exomes. This variant has been submitted to the ClinVar database as Pathogenic multiple submissions. Computational evidence MutationTaster - Disease causing predicts damaging effect on protein structure and function for this variant. The reference amino acid of p.Gln1063Ter in BRCA2 is predicted as conserved by PhyloP across 100 vertebrates. This variant is predicted to cause loss of normal protein function through protein truncation. Loss of function variants in BRCA2 gene have been previously reported to be disease causing Borg et al., 2010. For these reasons, this variant has been classified as Pathogenic.

Baylor Genetics
Classification: Pathogenic for Familial cancer of breast. Last evaluated: 2022-06-19. Review status: criteria provided, single submitter. Criteria: ACMG Guidelines, 2015. Collection method: clinical testing. Allele origin: unknown. Not counted in ClinVar's aggregate classification.

Sema4
Classification: Pathogenic for Hereditary cancer-predisposing syndrome. Last evaluated: 2021-11-15. Review status: criteria provided, single submitter. Criteria: Sema4 Curation Guidelines. Collection method: curation. Allele origin: germline. Not counted in ClinVar's aggregate classification.
Comment: The BRCA2 c.3187C>T (p.Q1063X) variant has been reported in at least 5 individuals with breast cancer (PMIDs 26911350, 29446198, 26187060, 25863477, 33471991), but was also reported in 2 healthy individuals from a large breast cancer control study (PMID: 33471991). This nonsense variant creates a premature stop codon at residue 1063 of the BRCA2 protein. At this location, this variant is predicted to cause loss of normal protein function either through nonsense-mediated mRNA decay or protein truncation. Loss of function variants in BRCA2 are known to be pathogenic (PMID: 29446198). This variant is not reported in the population database Genome Aggregation Database (PMID: 32461654). This variant has been reported in ClinVar (Variation ID: 228324). Based on the current evidence available, this variant is interpreted as pathogenic.

Laboratory for Molecular Medicine, Mass General Brigham Personalized Medicine
Classification: Pathogenic for Hereditary breast ovarian cancer syndrome. Last evaluated: 2018-07-18. Review status: criteria provided, single submitter. Criteria: LMM Criteria. Collection method: clinical testing. Allele origin: germline. Inheritance: Autosomal dominant inheritance. Observed: 11 variant alleles. Not counted in ClinVar's aggregate classification.
Comment: The p.Gln1063X variant in BRCA2 has been reported in at least 4 individuals with BRCA2-associated cancers (Kang 2015, Kwong 2016, Mannan 2016). This variant was absent from large population studies. This nonsense variant leads to a prematur e termination codon at position 1063, which is predicted to lead to a truncated or absent protein. Heterozygous loss of BRCA2 function is an established disease mechanism in hereditary breast and ovarian cancer (HBOC). This variant was clas sified as PATHOGENIC on Oct 18, 2016 by the ClinGen-approved Enigma expert panel (ClinVar SCV000324138.1). In summary, this variant is pathogenic for HBOC in an autosomal dominant manner based upon its predicated impact to the protein and p resence in affected individuals. ACMG/AMP Criteria applied: PVS1, PM2, PS4_Suppo rting.

Bioinformatics dept., Datar Cancer Genetics Limited, India
Classification: Pathogenic for Breast-ovarian cancer, familial, susceptibility to, 2. Last evaluated: 2017-07-06. Review status: criteria provided, single submitter. Criteria: ACMG Guidelines, 2015. Collection method: clinical testing. Allele origin: germline. Inheritance: Autosomal dominant inheritance. Affected: yes. Observed: 1 variant allele, 1 heterozygote. Not counted in ClinVar's aggregate classification.

Consortium of Investigators of Modifiers of BRCA1/2 (CIMBA), c/o University of Cambridge
Classification: Pathogenic for Breast-ovarian cancer, familial, susceptibility to, 2. Last evaluated: 2015-10-02. Review status: criteria provided, single submitter. Criteria: CIMBA Mutation Classification guidelines May 2016. Collection method: clinical testing. Allele origin: germline. Not counted in ClinVar's aggregate classification.

Molecular Endocrinology Laboratory, Christian Medical College
Classification: Pathogenic for Breast-ovarian cancer, familial, susceptibility to, 2. Review status: criteria provided, single submitter. Criteria: ACMG Guidelines, 2015. Collection method: clinical testing. Allele origin: germline. Affected: yes. Not counted in ClinVar's aggregate classification.

Literature cited by the submitters: PubMed 26187060 (cited by 5 submitters); PubMed 26911350 (cited by 6 submitters); PubMed 20104584 (cited by Labcorp Genetics (formerly Invitae), Labcorp); PubMed 29446198 (cited by 4 submitters); PubMed 25863477 (cited by 3 submitters); PubMed 33471991 (cited by 3 submitters); PubMed 38147532 (cited by Color Diagnostics, LLC DBA Color Health); PubMed 35053526 (cited by Quest Diagnostics Nichols Institute San Juan Capistrano); PubMed 31447099 (cited by Quest Diagnostics Nichols Institute San Juan Capistrano).

NM_000059.4(BRCA2):c.3187C>T (p.Gln1063Ter)

Gene: BRCA2 (BRCA2 DNA repair associated; plus strand). Cytogenetic location: 13q13.1.
Variant type: single nucleotide variant.
Coding change: c.3187C>T on transcript NM_000059.4 (MANE Select); coding-DNA position 3187, C replaced by T.
Protein change: p.Gln1063Ter; replaces glutamine 1063 with a stop codon.
Molecular consequence: nonsense.
Genome position (GRCh38, 1-based): chr13:32,337,542, C>T. VCF-style: chr13-32337542-C-T. GRCh37 (hg19) VCF-style: chr13-32911679-C-T.
Other names: 3415C>T (Q1063X); short protein forms Q1063*.
Identifiers: ClinVar variation 228324 (VCV000228324.34), dbSNP rs876657678, ClinGen allele CA10576940.